The following is an entry in ClinVar:

NM_033109.5(PNPT1):c.251C>T (p.Ala84Val)

Gene: PNPT1 (polyribonucleotide nucleotidyltransferase 1; minus strand). Cytogenetic location: 2p16.1.
Variant type: single nucleotide variant.
Coding change: c.251C>T on transcript NM_033109.5 (MANE Select); coding-DNA position 251, C replaced by T.
Protein change: p.Ala84Val; replaces alanine 84 with valine.
Molecular consequence: missense variant.
Genome position (GRCh38, 1-based): chr2:55,686,416, G>A on the plus strand (C>T on the coding strand, the complement: PNPT1 is on the minus strand). VCF-style: chr2-55686416-G-A. GRCh37 (hg19) VCF-style: chr2-55913551-G-A.
Other names: short protein forms A84V.
Identifiers: ClinVar variation 1315750 (VCV001315750.6), dbSNP rs145552327, ClinGen allele CA1668570.

ClinVar aggregate classification (germline): Uncertain significance. Review status: criteria provided, multiple submitters, no conflicts (2 of 4 stars). 2 submissions from 2 submitters: Uncertain significance (2). Last evaluated 2025-02-28.

Allele frequency attached by ClinVar (database versions not stated): TOPMed below 0.00001; gnomAD 0.00001; gnomAD exomes 0.00002; ExAC 0.00004; ESP Exome Variant Server 0.00008.

Submissions (2):

Women's Health and Genetics/Laboratory Corporation of America, LabCorp
Classification: Uncertain significance. Last evaluated: 2025-02-28. Review status: criteria provided, single submitter. Criteria: LabCorp Variant Classification Summary - May 2015. Collection method: clinical testing. Allele origin: germline.
Comment: Variant summary: PNPT1 c.251C>T (p.Ala84Val) results in a non-conservative amino acid change located in the Exoribonuclease, phosphorolytic domain 1 (IPR001247) of the encoded protein sequence. Three of five in-silico tools predict a benign effect of the variant on protein function. The variant allele was found at a frequency of 2.4e-05 in 251300 control chromosomes. The available data on variant occurrences in the general population are insufficient to allow any conclusion about variant significance. To our knowledge, no occurrence of c.251C>T in individuals affected with PNPT1-Related Disorders and no experimental evidence demonstrating its impact on protein function have been reported. ClinVar contains an entry for this variant (Variation ID: 1315750). Based on the evidence outlined above, the variant was classified as uncertain significance.

GeneDx
Classification: Uncertain significance. Last evaluated: 2019-10-17. Review status: criteria provided, single submitter. Criteria: GeneDx Variant Classification Process June 2021. Collection method: clinical testing. Allele origin: germline. Affected: yes.
Comment: Not observed at a significant frequency in large population cohorts (Lek et al., 2016); In silico analysis, which includes protein predictors and evolutionary conservation, supports that this variant does not alter protein structure/function; Has not been previously published as pathogenic or benign to our knowledge